The following is an entry in ClinVar:

ClinVar aggregate classification (germline): Uncertain significance (1 of 4 stars; one submission).

Allele frequency attached by ClinVar (database versions not stated): gnomAD exomes below 0.00001; TOPMed 0.00001.
gnomAD v4.1: 1 of 1,609,260 alleles (0.000062%); highest among the groups gnomAD compares: African/African-American, 0.0013%; no homozygotes.

Submission:

GeneDx
Classification: Uncertain significance. Last evaluated: 2022-01-26. Review status: criteria provided, single submitter. Criteria: GeneDx Variant Classification Process June 2021. Collection method: clinical testing. Allele origin: germline. Affected: yes.
Comment: Not observed at significant frequency in large population cohorts (gnomAD); Canonical splice site variant in a gene for which loss-of-function is not a known mechanism of disease; Has not been previously published as pathogenic or benign to our knowledge

NM_001829.4(CLCN3):c.1750+1G>A

Gene: CLCN3 (chloride voltage-gated channel 3; plus strand). Cytogenetic location: 4q33.
Variant type: single nucleotide variant.
Coding change: c.1750+1G>A on transcript NM_001829.4 (MANE Select); the canonical splice donor site of the intron after coding-DNA position 1750, G replaced by A.
Molecular consequence: splice donor variant.
Genome position (GRCh38, 1-based): chr4:169,704,185, G>A. VCF-style: chr4-169704185-G-A. GRCh37 (hg19) VCF-style: chr4-170625336-G-A.
Other names: c.1750+1G>A (NM_173872.4); c.1669+1G>A (NM_001243372.2, NM_001243374.2).
Identifiers: ClinVar variation 1699888 (VCV001699888.2), dbSNP rs1732902133, ClinGen allele CA358738845.